The following is an entry in ClinVar:

ClinVar aggregate classification (germline): Likely benign (0 of 4 stars; one submission).

Conditions:
TPMT-related disorder. Also called: TPMT-related condition.

Allele frequency attached by ClinVar (database versions not stated): gnomAD exomes 0.00001 and 0.00004; TOPMed 0.00004 and 0.00005; ExAC 0.00005; gnomAD 0.00005 and 0.00006.
gnomAD v4.1: 29 of 1,611,078 alleles (0.0018%); highest among the groups gnomAD compares: African/African-American, 0.013%; no homozygotes.

Submission:

PreventionGenetics, part of Exact Sciences
Classification: Likely benign for TPMT-related condition. Last evaluated: 2019-12-03. Review status: no assertion criteria provided. Collection method: clinical testing. Allele origin: germline.
Comment: This variant is classified as likely benign based on ACMG/AMP sequence variant interpretation guidelines (Richards et al. 2015 PMID: 25741868, with internal and published modifications).

NM_000367.5(TPMT):c.375G>A (p.Ser125=)

Gene: TPMT (thiopurine S-methyltransferase; minus strand). Cytogenetic location: 6p22.3.
Variant type: single nucleotide variant.
Coding change: c.375G>A on transcript NM_000367.5 (MANE Select); coding-DNA position 375, G replaced by A.
Protein change: p.Ser125=; no amino-acid change (serine 125 retained).
Molecular consequence: synonymous variant.
Genome position (GRCh38, 1-based): chr6:18,139,709, C>T on the plus strand (G>A on the coding strand, the complement: TPMT is on the minus strand). VCF-style: chr6-18139709-C-T. GRCh37 (hg19) VCF-style: chr6-18139940-C-T.
Other names: c.375G>A, p.Ser125= (NM_001346817.1, NM_001346818.1); c.375G>A (NM_000367.4).
Identifiers: ClinVar variation 3048487 (VCV003048487.2), dbSNP rs760980416, ClinGen allele CA3650206.